The following is an entry in ClinVar:

NM_031935.3(HMCN1):c.11302C>G (p.Leu3768Val)

Gene: HMCN1 (hemicentin 1; plus strand). Cytogenetic location: 1q31.1.
Variant type: single nucleotide variant.
Coding change: c.11302C>G on transcript NM_031935.3 (MANE Select); coding-DNA position 11302, C replaced by G.
Protein change: p.Leu3768Val; replaces leucine 3768 with valine.
Molecular consequence: missense variant.
Genome position (GRCh38, 1-based): chr1:186,114,844, C>G. VCF-style: chr1-186114844-C-G. GRCh37 (hg19) VCF-style: chr1-186083976-C-G.
Other names: short protein forms L3768V.
Identifiers: ClinVar variation 4724870 (VCV004724870.1).

ClinVar aggregate classification (germline): Uncertain significance (1 of 4 stars; one submission).

Submission:

Labcorp Genetics (formerly Invitae), Labcorp
Classification: Uncertain significance. Last evaluated: 2025-09-17. Review status: criteria provided, single submitter. Criteria: Invitae Variant Classification Sherloc (09022015). Collection method: clinical testing. Allele origin: germline.
Comment: This sequence change replaces leucine, which is neutral and non-polar, with valine, which is neutral and non-polar, at codon 3768 of the HMCN1 protein (p.Leu3768Val). This variant is not present in population databases (gnomAD no frequency). This variant has not been reported in the literature in individuals affected with HMCN1-related conditions. An algorithm developed to predict the effect of missense changes on protein structure and function (PolyPhen-2) suggests that this variant is likely to be disruptive. In summary, the available evidence is currently insufficient to determine the role of this variant in disease. Therefore, it has been classified as a Variant of Uncertain Significance.